The following is an entry in ClinVar:

ClinVar aggregate classification (germline): Uncertain significance. Review status: reviewed by expert panel (3 of 4 stars). 5 submissions from 5 submitters: Uncertain significance (1). 4 of the submissions do not count toward it. Last evaluated 2025-05-07.

Conditions:
Inborn genetic diseases. Identifiers: MedGen C0950123, MeSH D030342.
CDKL5 disorder. Identifiers: MedGen CN296942, MONDO:0100039.
Angelman syndrome-like. Identifiers: MedGen CN128785.
Developmental and epileptic encephalopathy, 2 (DEE2). Also called: INFANTILE SPASM SYNDROME, X-LINKED 2; CDKL5 deficiency disorder. Identifiers: Orphanet 1934, Orphanet 3451, Orphanet 505652, MedGen C4750718, MONDO:0010396, OMIM 300672.

Allele frequency attached by ClinVar (database versions not stated): gnomAD exomes below 0.00001.
gnomAD v4.1: 1 of 1,205,025 alleles (0.000083%); highest among the groups gnomAD compares: Non-Finnish European, 0.00011%; no homozygotes.

Submissions (5):

ClinGen Rett and Angelman-like Disorders Variant Curation Expert Panel
Classification: Uncertain significance for CDKL5 disorder. Last evaluated: 2025-05-07. Review status: reviewed by expert panel. Criteria: ClinGen RettAS ACMG Specifications CDKL5 V4.1.0. Collection method: curation. Allele origin: germline. Inheritance: X-linked inheritance.
Comment: The p.Val172Ile variant in CDKL5 has been reported as a de novo occurrence (biological parentage unconfirmed) in an individual with early onset epileptic encephalopathy (PMID 25356970) (PM6). The p.Val172Ile variant in CDKL5 is absent from gnomAD v4.1 (PM2_Supporting). Computational prediction analysis tools are inconclusive for this variant. In summary, the p.Val172Ile variant in CDKL5 is classified as a variant of uncertain significance based on the ACMG/AMP criteria (PM6, PM2_supporting). (CDKL5 Specifications v.4.1; curation approved on [5/7/2025])

Labcorp Genetics (formerly Invitae), Labcorp
Classification: Uncertain significance for Developmental and epileptic encephalopathy, 2; Angelman syndrome-like. Last evaluated: 2025-05-18. Review status: criteria provided, single submitter. Criteria: Invitae Variant Classification Sherloc (09022015). Collection method: clinical testing. Allele origin: germline. Not counted in ClinVar's aggregate classification.
Comment: This sequence change replaces valine, which is neutral and non-polar, with isoleucine, which is neutral and non-polar, at codon 172 of the CDKL5 protein (p.Val172Ile). This variant is not present in population databases (gnomAD no frequency). This missense change has been observed in individual(s) with clinical features of CDKL5-related conditions (PMID: 27770071). ClinVar contains an entry for this variant (Variation ID: 208653). Invitae Evidence Modeling of protein sequence and biophysical properties (such as structural, functional, and spatial information, amino acid conservation, physicochemical variation, residue mobility, and thermodynamic stability) has been performed for this missense variant. However, the output from this modeling did not meet the statistical confidence thresholds required to predict the impact of this variant on CDKL5 protein function. This variant disrupts the p.Val172 amino acid residue in CDKL5. Other variant(s) that disrupt this residue have been determined to be pathogenic (internal data). This suggests that this residue is clinically significant, and that variants that disrupt this residue are likely to be disease-causing. In summary, the available evidence is currently insufficient to determine the role of this variant in disease. Therefore, it has been classified as a Variant of Uncertain Significance.

Centre for Population Genomics, CPG
Classification: Uncertain significance for CDKL5 disorder. Last evaluated: 2024-07-17. Review status: criteria provided, single submitter. Criteria: McKnight et al. (Hum Mutat. 2022). Collection method: curation. Allele origin: germline. Inheritance: X-linked inheritance. Not counted in ClinVar's aggregate classification.
Comment: This variant has been collected from RettBASE and curated to current modified ACMG/AMP criteria. Based on the classification scheme defined by the ClinGen Rett/Angelman-like Expert Panel for Rett/AS-like Disorders Specifications to the ACMG/AMP Variant Interpretation Guidelines VCEP 3.0, this variant is classified as variant of uncertain significance. At least the following criteria are met: This variant is absent from gnomAD (PM2_Supporting). This variant has been identified as a de novo occurrence in an individual with CDKL5 disorder without confirmation of paternity and maternity (PM6, PMID: 25356970). Has been observed in 1 individual with phenotypes consistent with CDKL5 disorder (PMID: 25657822).

Ambry Genetics
Classification: Pathogenic for Inborn genetic diseases. Last evaluated: 2013-09-30. Review status: criteria provided, single submitter. Criteria: Ambry Autosomal Dominant and X-Linked criteria (10/2015). Collection method: clinical testing. Allele origin: germline. Observed: 1 variant allele. Not counted in ClinVar's aggregate classification.

Juno Genomics, Hangzhou Juno Genomics, Inc
Classification: Uncertain significance for Developmental and epileptic encephalopathy, 2. Review status: criteria provided, single submitter. Criteria: ACMG Guidelines, 2015. Collection method: clinical testing. Allele origin: germline. Affected: yes. Not counted in ClinVar's aggregate classification.
Comment: Absent from controls (or at extremely low frequency if recessive) in Genome Aggregation Database, Exome Sequencing Project, 1000 Genomes Project, or Exome Aggregation Consortium.;The prevalence of the variant in affected individuals is significantly increased compared to the prevalence in controls.;Assumed de novo, but without confirmation of paternity and maternity.

Literature cited by the submitters: PubMed 27770071 (cited by Labcorp Genetics (formerly Invitae), Labcorp).

NM_001323289.2(CDKL5):c.514G>A (p.Val172Ile)

Gene: CDKL5 (cyclin dependent kinase like 5; plus strand). Cytogenetic location: Xp22.13.
Variant type: single nucleotide variant.
Coding change: c.514G>A on transcript NM_001323289.2 (MANE Select); coding-DNA position 514, G replaced by A.
Protein change: p.Val172Ile; replaces valine 172 with isoleucine.
Molecular consequence: missense variant.
Genome position (GRCh38, 1-based): chrX:18,584,313, G>A. VCF-style: chrX-18584313-G-A. GRCh37 (hg19) VCF-style: chrX-18602433-G-A.
Other names: NM_001323289.2(CDKL5):c.514G>A; p.Val172Ile; c.514G>A, p.Val172Ile (NM_001037343.2, NM_003159.3); short protein forms V172I.
Identifiers: ClinVar variation 208653 (VCV000208653.9), dbSNP rs797044858, ClinGen allele CA204612.